The following is an entry in ClinVar:

ClinVar aggregate classification (germline): Uncertain significance (1 of 4 stars; one submission).

Conditions:
Hypertrophic cardiomyopathy 26. Also called: Cardiomyopathy, familial hypertrophic, 26. Identifiers: Orphanet 75249, MedGen C4310749, MONDO:0014883, OMIM 617047.
Myofibrillar myopathy 5. Also called: Filaminopathy (type); FILAMINOPATHY, AUTOSOMAL DOMINANT. Identifiers: Orphanet 171445, MedGen C1836050, MONDO:0012289, OMIM 609524.
Distal myopathy with posterior leg and anterior hand involvement. Also called: WILLIAMS DISTAL MYOPATHY. Identifiers: Orphanet 63273, MedGen C3279722, MONDO:0013550, OMIM 614065.

Submission:

Labcorp Genetics (formerly Invitae), Labcorp
Classification: Uncertain significance for Distal myopathy with posterior leg and anterior hand involvement; Myofibrillar myopathy 5; Hypertrophic cardiomyopathy 26. Last evaluated: 2025-12-16. Review status: criteria provided, single submitter. Criteria: Invitae Variant Classification Sherloc (09022015). Collection method: clinical testing. Allele origin: germline.
Comment: This sequence change replaces glycine, which is neutral and non-polar, with arginine, which is basic and polar, at codon 837 of the FLNC protein (p.Gly837Arg). This variant is not present in population databases (gnomAD no frequency). This variant has not been reported in the literature in individuals affected with FLNC-related conditions. Invitae Evidence Modeling of protein sequence and biophysical properties (such as structural, functional, and spatial information, amino acid conservation, physicochemical variation, residue mobility, and thermodynamic stability) has been performed for this missense variant. However, the output from this modeling did not meet the statistical confidence thresholds required to predict the impact of this variant on FLNC protein function. In summary, the available evidence is currently insufficient to determine the role of this variant in disease. Therefore, it has been classified as a Variant of Uncertain Significance.

NM_001458.5(FLNC):c.2509G>C (p.Gly837Arg)

Gene: FLNC (filamin C; plus strand). Cytogenetic location: 7q32.1.
Variant type: single nucleotide variant.
Coding change: c.2509G>C on transcript NM_001458.5 (MANE Select); coding-DNA position 2509, G replaced by C.
Protein change: p.Gly837Arg; replaces glycine 837 with arginine.
Molecular consequence: missense variant.
Genome position (GRCh38, 1-based): chr7:128,842,913, G>C. VCF-style: chr7-128842913-G-C. GRCh37 (hg19) VCF-style: chr7-128482967-G-C.
Other names: c.2509G>C, p.Gly837Arg (NM_001127487.2); short protein forms G837R.
Identifiers: ClinVar variation 4812717 (VCV004812717.1).
Genomic context (GRCh38, chr7:128,842,913, plus strand): 5'-ATTGACTTCGACATCATCAAGAATGACAACGACACCTTCACCGTCAAGTACACGCCACCA[G>C]GGGCGGGCCGCTACACCATCATGGTGCTGTTTGCCAACCAGGTACCTAAGCTCCTGGGTA-3'
Protein context (NP_001449.3, residues 827-847): DTFTVKYTPP[Gly837Arg]AGRYTIMVLF